The following is an entry in ClinVar:

NM_001081.4(CUBN):c.1606G>A (p.Asp536Asn)

Gene: CUBN (cubilin; minus strand). Cytogenetic location: 10p13.
Variant type: single nucleotide variant.
Coding change: c.1606G>A on transcript NM_001081.4 (MANE Select); coding-DNA position 1606, G replaced by A.
Protein change: p.Asp536Asn; replaces aspartic acid 536 with asparagine.
Molecular consequence: missense variant.
Genome position (GRCh38, 1-based): chr10:17,100,164, C>T on the plus strand (G>A on the coding strand, the complement: CUBN is on the minus strand). VCF-style: chr10-17100164-C-T. GRCh37 (hg19) VCF-style: chr10-17142163-C-T.
Other names: short protein forms D536N.
Identifiers: ClinVar variation 2223347 (VCV002223347.4), dbSNP rs763864946, ClinGen allele CA5425234.
Genomic context (GRCh38, chr10:17,100,164, plus strand): 5'-CATGAGGGAGGCTGGAGCCACAAAATCTTCCAAGTTGAAAAGCAGAAGAGGAATCTCCAT[C>T]ATAAACCTGAAGAAACTCGTGTGGACAGTTGTCCATGGATTCTAACCGGAAAAAAGTGAA-3'
Protein context (NP_001072.2, residues 526-546): NCPHEFLQVY[Asp536Asn]GDSSSAFQLG

ClinVar aggregate classification (germline): Uncertain significance. Review status: criteria provided, multiple submitters, no conflicts (2 of 4 stars). 3 submissions from 3 submitters: Uncertain significance (3). Last evaluated 2025-05-18.

Conditions:
Imerslund-Grasbeck syndrome. Also called: ENTEROCYTE COBALAMIN MALABSORPTION; ENTEROCYTE INTRINSIC FACTOR RECEPTOR, DEFECT OF; PERNICIOUS ANEMIA, JUVENILE, DUE TO SELECTIVE INTESTINAL MALABSORPTION OF VITAMIN B12, WITH PROTEINURIA; Megaloblastic anemia due to inborn errors of metabolism; Imerslund-Gräsbeck syndrome. Identifiers: Orphanet 35858, MedGen C4551825, MONDO:0009853.
Inborn genetic diseases. Identifiers: MedGen C0950123, MeSH D030342.

Allele frequency attached by ClinVar (database versions not stated): TOPMed 0.00004; ExAC 0.00007.
gnomAD v4.1: 37 of 1,613,960 alleles (0.0023%); highest among the groups gnomAD compares: East Asian, 0.074%; no homozygotes.

Submissions (3):

Labcorp Genetics (formerly Invitae), Labcorp
Classification: Uncertain significance for Imerslund-Grasbeck syndrome. Last evaluated: 2025-05-18. Review status: criteria provided, single submitter. Criteria: Invitae Variant Classification Sherloc (09022015). Collection method: clinical testing. Allele origin: germline.
Comment: This sequence change replaces aspartic acid, which is acidic and polar, with asparagine, which is neutral and polar, at codon 536 of the CUBN protein (p.Asp536Asn). This variant is present in population databases (rs763864946, gnomAD 0.1%). This variant has not been reported in the literature in individuals affected with CUBN-related conditions. ClinVar contains an entry for this variant (Variation ID: 2223347). Invitae Evidence Modeling of protein sequence and biophysical properties (such as structural, functional, and spatial information, amino acid conservation, physicochemical variation, residue mobility, and thermodynamic stability) indicates that this missense variant is expected to disrupt CUBN protein function with a positive predictive value of 80%. In summary, the available evidence is currently insufficient to determine the role of this variant in disease. Therefore, it has been classified as a Variant of Uncertain Significance.

Blueprint Genetics
Classification: Uncertain significance. Last evaluated: 2024-08-30. Review status: criteria provided, single submitter. Criteria: ACMG Guidelines, 2015. Collection method: clinical testing. Allele origin: germline.

Ambry Genetics
Classification: Uncertain significance for Inborn genetic diseases. Last evaluated: 2023-10-27. Review status: criteria provided, single submitter. Criteria: Ambry Variant Classification Scheme 2023. Collection method: clinical testing. Allele origin: germline.